The following is an entry in ClinVar:

ClinVar aggregate classification (germline): Likely benign (1 of 4 stars; one submission).

Submission:

GeneDx
Classification: Likely benign. Last evaluated: 2018-02-26. Review status: criteria provided, single submitter. Criteria: GeneDx Variant Classification (06012015). Collection method: clinical testing. Allele origin: germline. Affected: yes.
Comment: This variant is considered likely benign or benign based on one or more of the following criteria: it is a conservative change, it occurs at a poorly conserved position in the protein, it is predicted to be benign by multiple in silico algorithms, and/or has population frequency not consistent with disease.

NM_145239.3(PRRT2):c.264C>T (p.Ser88=)

Genes: MVP-DT (MVP divergent transcript; minus strand), PRRT2 (proline rich transmembrane protein 2; plus strand). Cytogenetic location: 16p11.2.
Variant type: single nucleotide variant.
Coding change: c.264C>T on transcript NM_145239.3 (MANE Select); coding-DNA position 264, C replaced by T.
Protein change: p.Ser88=; no amino-acid change (serine 88 retained).
Molecular consequence: synonymous variant.
Genome position (GRCh38, 1-based): chr16:29,813,318, C>T. VCF-style: chr16-29813318-C-T. GRCh37 (hg19) VCF-style: chr16-29824639-C-T.
Other names: c.264C>T, p.Ser88= (NM_001256442.2, NM_001256443.2).
Identifiers: ClinVar variation 515775 (VCV000515775.1), dbSNP rs752453955, ClinGen allele CA494883515.